The following is an entry in ClinVar:

ClinVar aggregate classification (germline): Pathogenic (1 of 4 stars; one submission).

Conditions:
Dilated cardiomyopathy 1G (CMD1G). Identifiers: Orphanet 154, MedGen C1858763, MONDO:0011400, OMIM 604145.

Submission:

OLLIN Analises Genomicas, OLLIN
Classification: Pathogenic for Dilated cardiomyopathy 1G. Last evaluated: 2025-11-05. Review status: criteria provided, single submitter. Criteria: ACMG Guidelines 2015 PMID 25741868. Collection method: clinical testing. Allele origin: germline. Affected: yes. Observed: 2 variant alleles.
Comment: The nonsense variant (chr2:178712810G>C), located in exon 94 (of 363) and outside band A, is not reported in the gnomAD v4.1 non-UKB or ClinVar databases, nor has it been found in the scientific literature. This variant introduces a premature stop codon, resulting in a truncated protein or mRNA degradation via nonsense-mediated decay (NMD). According to currently available evidence, this variant has been classified as pathogenic (PVS1, PM2_P).

NM_001267550.2(TTN):c.27215C>G (p.Ser9072Ter)

Gene: TTN (titin; minus strand). Cytogenetic location: 2q31.2.
Variant type: single nucleotide variant.
Coding change: c.27215C>G on transcript NM_001267550.2 (MANE Select); coding-DNA position 27215, C replaced by G.
Protein change: p.Ser9072Ter; replaces serine 9072 with a stop codon.
Molecular consequence: nonsense. On other transcripts: intron variant (3).
Genome position (GRCh38, 1-based): chr2:178,712,810, G>C on the plus strand (C>G on the coding strand, the complement: TTN is on the minus strand). VCF-style: chr2-178712810-G-C. GRCh37 (hg19) VCF-style: chr2-179577537-G-C.
Other names: c.26264C>G, p.Ser8755Ter (NM_001256850.1); c.23483C>G, p.Ser7828Ter (NM_133378.4); c.13282+25272C>G (NM_003319.4); c.13858+25272C>G (NM_133437.4); c.13657+25272C>G (NM_133432.3); short protein forms S7828*, S8755*, S9072*.
Identifiers: ClinVar variation 4814163 (VCV004814163.1).